The following is an entry in ClinVar:

Single allele

Gene: APBA1 (amyloid beta precursor protein binding family A member 1; minus strand). Cytogenetic location: 9q21.12.
Variant type: Deletion.
Identifiers: ClinVar variation 157145 (VCV000157145.2).

ClinVar aggregate classification (germline): not provided (0 of 4 stars; one submission).

Conditions:
Small for gestational age. Also called: Low birth weight. Identifiers: MedGen C0235991, HP:0001518.

Submission:

Institute of Molecular and Cell Biology, University of Tartu
No classification provided. Condition: Small for gestational age. Review status: no classification provided. Collection method: case-control. Allele origin: unknown. Affected: yes. Study: Kasak2014.
Comment: The study aimed to determine the contribution of copy number variants in the genetic etiology of normal and complicated pregnancies. The samples represented (i) maternal blood DNA drawn from healthy pregnant women during 1st or 2nd trimester and (ii) maternal and paternal blood DNA drawn at term pregnancy cases representing normal and complicated gestations (severe preeclampsia, PE; gestational diabetes, GD; small-for-gestational age newborn, SGA; large-for-gestational age newborn, LGA). We performed CNV calling based on genome-wide genotyping dataset (Illumina HumanOmniExpress-24-v1 BeadChip) by applying three algorithms, QuantiSNP, GADA (Genome Alteration Detection Algorithm) and CNstream in parallel. The acquired CNV calls were merged with HD-CNV (Hotspot Detector for Copy Number Variants) program and only the CNVs predicted by at least two programs, were considered in subsequent analysis.

Literature cited by the submitters: PubMed 25666259.